The following is an entry in ClinVar:

ClinVar aggregate classification (germline): Uncertain significance. Review status: criteria provided, multiple submitters, no conflicts (2 of 4 stars). 2 submissions from 2 submitters: Uncertain significance (2). Last evaluated 2025-03-04.

gnomAD v4.1: 3 of 1,614,114 alleles (0.00019%); highest among the groups gnomAD compares: Non-Finnish European, 0.00025%; no homozygotes.

Submissions (2):

Center for Genomic Medicine, Rigshospitalet, Copenhagen University Hospital
Classification: Uncertain significance. Last evaluated: 2025-03-04. Review status: criteria provided, single submitter. Criteria: ACMG Guidelines, 2015. Collection method: clinical testing. Allele origin: germline.

Ambry Genetics
Classification: Uncertain significance. Last evaluated: 2025-02-21. Review status: criteria provided, single submitter. Criteria: Ambry Variant Classification Scheme 2023. Collection method: clinical testing. Allele origin: germline.
Comment: The p.G743R variant (also known as c.2227G>A), located in coding exon 8 of the RNF43 gene, results from a G to A substitution at nucleotide position 2227. The glycine at codon 743 is replaced by arginine, an amino acid with dissimilar properties. This amino acid position is conserved. In addition, this alteration is predicted to be tolerated by in silico analysis. Based on the available evidence, the clinical significance of this variant remains unclear.

NM_017763.6(RNF43):c.2227G>A (p.Gly743Arg)

Gene: RNF43 (ring finger protein 43; minus strand). Cytogenetic location: 17q22.
Variant type: single nucleotide variant.
Coding change: c.2227G>A on transcript NM_017763.6 (MANE Select); coding-DNA position 2227, G replaced by A.
Protein change: p.Gly743Arg; replaces glycine 743 with arginine.
Molecular consequence: missense variant.
Genome position (GRCh38, 1-based): chr17:58,357,549, C>T on the plus strand (G>A on the coding strand, the complement: RNF43 is on the minus strand). VCF-style: chr17-58357549-C-T. GRCh37 (hg19) VCF-style: chr17-56434910-C-T.
Other names: c.2227G>A, p.Gly743Arg (NM_001305544.3); c.1846G>A, p.Gly616Arg (NM_001305545.2); c.2227G>A (NM_017763.4); short protein forms G616R, G743R.
Identifiers: ClinVar variation 3765091 (VCV003765091.2).